The following is an entry in ClinVar:

ClinVar aggregate classification (germline): Uncertain significance (1 of 4 stars; one submission).

Submission:

Labcorp Genetics (formerly Invitae), Labcorp
Classification: Uncertain significance. Last evaluated: 2022-05-29. Review status: criteria provided, single submitter. Criteria: Invitae Variant Classification Sherloc (09022015). Collection method: clinical testing. Allele origin: germline.
Comment: In summary, the available evidence is currently insufficient to determine the role of this variant in disease. Therefore, it has been classified as a Variant of Uncertain Significance. Advanced modeling of protein sequence and biophysical properties (such as structural, functional, and spatial information, amino acid conservation, physicochemical variation, residue mobility, and thermodynamic stability) performed at Invitae indicates that this missense variant is not expected to disrupt CYP4V2 protein function. This sequence change replaces isoleucine, which is neutral and non-polar, with methionine, which is neutral and non-polar, at codon 490 of the CYP4V2 protein (p.Ile490Met). This variant is not present in population databases (gnomAD no frequency). This variant has not been reported in the literature in individuals affected with CYP4V2-related conditions.

NM_207352.4(CYP4V2):c.1470A>G (p.Ile490Met)

Gene: CYP4V2 (cytochrome P450 family 4 subfamily V member 2; plus strand). Cytogenetic location: 4q35.2.
Variant type: single nucleotide variant.
Coding change: c.1470A>G on transcript NM_207352.4 (MANE Select); coding-DNA position 1470, A replaced by G.
Protein change: p.Ile490Met; replaces isoleucine 490 with methionine.
Molecular consequence: missense variant.
Genome position (GRCh38, 1-based): chr4:186,210,533, A>G. VCF-style: chr4-186210533-A-G. GRCh37 (hg19) VCF-style: chr4-187131687-A-G.
Other names: short protein forms I490M.
Identifiers: ClinVar variation 2000769 (VCV002000769.4), dbSNP rs2476822458, ClinGen allele CA358950904.